The following is an entry in ClinVar:

ClinVar aggregate classification (germline): Conflicting classifications of pathogenicity. Review status: criteria provided, conflicting classifications (1 of 4 stars). 2 submissions from 2 submitters: Likely pathogenic (1); Uncertain significance (1). Last evaluated 2025-04-10.

Conditions:
Bardet-Biedl syndrome (BBS). Identifiers: Orphanet 110, MedGen C0752166, MONDO:0015229.

Submissions (2):

Women's Health and Genetics/Laboratory Corporation of America, LabCorp
Classification: Uncertain significance. Last evaluated: 2025-04-10. Review status: criteria provided, single submitter. Criteria: LabCorp Variant Classification Summary - May 2015. Collection method: clinical testing. Allele origin: germline.
Comment: Variant summary: BBS12 c.880T>G (p.Tyr294Asp) results in a non-conservative amino acid change in the encoded protein sequence. Four of five in-silico tools predict a benign effect of the variant on protein function. The variant was absent in 251128 control chromosomes (gnomAD). The available data on variant occurrences in the general population are insufficient to allow any conclusion about variant significance. c.880T>G has been observed in at least an individual affected with Bardet-Biedl Syndrome (Jaffal_2019). This data, however, does not allow any conclusion about variant significance. To our knowledge, no experimental evidence demonstrating an impact on protein function has been reported. The following publication has been ascertained in the context of this evaluation (PMID: 31888296). ClinVar contains an entry for this variant (Variation ID: 1916256). Based on the evidence outlined above, the variant was classified as uncertain significance.

Labcorp Genetics (formerly Invitae), Labcorp
Classification: Likely pathogenic for Bardet-Biedl syndrome. Last evaluated: 2023-07-03. Review status: criteria provided, single submitter. Criteria: Invitae Variant Classification Sherloc (09022015). Collection method: clinical testing. Allele origin: germline.
Comment: ClinVar contains an entry for this variant (Variation ID: 1916256). This sequence change replaces tyrosine, which is neutral and polar, with aspartic acid, which is acidic and polar, at codon 294 of the BBS12 protein (p.Tyr294Asp). This variant is not present in population databases (gnomAD no frequency). This missense change has been observed in individual(s) with Bardet-Biedl syndrome (PMID: 31888296). In at least one individual the data is consistent with being in trans (on the opposite chromosome) from a pathogenic variant. Advanced modeling of protein sequence and biophysical properties (such as structural, functional, and spatial information, amino acid conservation, physicochemical variation, residue mobility, and thermodynamic stability) performed at Invitae indicates that this missense variant is expected to disrupt BBS12 protein function. In summary, the currently available evidence indicates that the variant is pathogenic, but additional data are needed to prove that conclusively. Therefore, this variant has been classified as Likely Pathogenic.

Literature cited by the submitters: PubMed 31888296 (cited by Women's Health and Genetics/Laboratory Corporation of America, LabCorp and Labcorp Genetics (formerly Invitae), Labcorp).

NM_152618.3(BBS12):c.880T>G (p.Tyr294Asp)

Gene: BBS12 (Bardet-Biedl syndrome 12; plus strand). Cytogenetic location: 4q27.
Variant type: single nucleotide variant.
Coding change: c.880T>G on transcript NM_152618.3 (MANE Select); coding-DNA position 880, T replaced by G.
Protein change: p.Tyr294Asp; replaces tyrosine 294 with aspartic acid.
Molecular consequence: missense variant.
Genome position (GRCh38, 1-based): chr4:122,742,772, T>G. VCF-style: chr4-122742772-T-G. GRCh37 (hg19) VCF-style: chr4-123663927-T-G.
Other names: c.880T>G, p.Tyr294Asp (NM_001178007.2); short protein forms Y294D.
Identifiers: ClinVar variation 1916256 (VCV001916256.7), dbSNP rs2485074365, ClinGen allele CA358223906.